The following is an entry in ClinVar:

ClinVar aggregate classification (germline): Uncertain significance (1 of 4 stars; one submission).

gnomAD v4.1: 25 of 1,611,328 alleles (0.0016%); highest among the groups gnomAD compares: Non-Finnish European, 0.002%; no homozygotes.

Submission:

GeneDx
Classification: Uncertain significance. Last evaluated: 2019-06-03. Review status: criteria provided, single submitter. Criteria: GeneDx Variant Classification Process June 2021. Collection method: clinical testing. Allele origin: germline. Affected: yes.
Comment: Not observed in large population cohorts (Lek et al., 2016); In silico analysis, which includes protein predictors and evolutionary conservation, supports that this variant does not alter protein structure/function; Has not been previously published as pathogenic or benign to our knowledge

NM_015213.4(DENND5A):c.3013T>A (p.Leu1005Met)

Gene: DENND5A (DENN domain containing 5A; minus strand). Cytogenetic location: 11p15.4.
Variant type: single nucleotide variant.
Coding change: c.3013T>A on transcript NM_015213.4 (MANE Select); coding-DNA position 3013, T replaced by A.
Protein change: p.Leu1005Met; replaces leucine 1005 with methionine.
Molecular consequence: missense variant. On other transcripts: non-coding transcript variant (1).
Genome position (GRCh38, 1-based): chr11:9,145,104, A>T on the plus strand (T>A on the coding strand, the complement: DENND5A is on the minus strand). VCF-style: chr11-9145104-A-T. GRCh37 (hg19) VCF-style: chr11-9166651-A-T.
Other names: c.3013T>A, p.Leu1005Met (NM_001243254.2); c.2941T>A, p.Leu981Met (NM_001348749.2); c.2725T>A, p.Leu909Met (NM_001348750.2); short protein forms L1005M, L909M, L981M.
Identifiers: ClinVar variation 1305861 (VCV001305861.2), dbSNP rs151179105, ClinGen allele CA217537801.